The following is an entry in ClinVar:

ClinVar aggregate classification (germline): Benign. Review status: criteria provided, multiple submitters, no conflicts (2 of 4 stars). 3 submissions from 3 submitters: Benign (3). Last evaluated 2026-07-07.

Conditions:
SDHC-related disorder. Also called: SDHC-related condition.

Allele frequency attached by ClinVar (database versions not stated): gnomAD 0.07514 and 0.07821; TOPMed 0.08147; 1000 Genomes Project 30x 0.10540; 1000 Genomes Project 0.10663; gnomAD exomes 0.06842; ESP Exome Variant Server 0.07096.
gnomAD v4.1: 107,409 of 1,532,706 alleles (7%); highest among the groups gnomAD compares: South Asian, 16%; 4,788 homozygotes.

Submissions (3):

PreventionGenetics, part of Exact Sciences
Classification: Benign for SDHC-related condition. Last evaluated: 2026-07-07. Review status: criteria provided, single submitter. Criteria: ACMG Guidelines, 2015. Collection method: clinical testing. Allele origin: germline.
Comment: This variant is classified as benign based on ACMG/AMP sequence variant interpretation guidelines (Richards et al. 2015 PMID: 25741868, with internal and published modifications).

GeneDx
Classification: Benign. Last evaluated: 2018-06-15. Review status: criteria provided, single submitter. Criteria: GeneDx Variant Classification (06012015). Collection method: clinical testing. Allele origin: germline. Affected: yes.
Comment: This variant is considered likely benign or benign based on one or more of the following criteria: it is a conservative change, it occurs at a poorly conserved position in the protein, it is predicted to be benign by multiple in silico algorithms, and/or has population frequency not consistent with disease.

Breakthrough Genomics
Classification: Benign. Review status: criteria provided, single submitter. Criteria: ACMG Guidelines, 2015. Collection method: not provided. Allele origin: germline. Inheritance: Autosomal dominant inheritance. Affected: yes.

NM_003001.5(SDHC):c.20+82T>C

Gene: SDHC (succinate dehydrogenase complex subunit C; plus strand). Cytogenetic location: 1q23.3.
Variant type: single nucleotide variant.
Coding change: c.20+82T>C on transcript NM_003001.5 (MANE Select); 82 bases into the intron after coding-DNA position 20, T replaced by C.
Molecular consequence: intron variant. On other transcripts: 5 prime UTR variant (1).
Genome position (GRCh38, 1-based): chr1:161,314,507, T>C. VCF-style: chr1-161314507-T-C. GRCh37 (hg19) VCF-style: chr1-161284297-T-C.
Other names: c.-459T>C (NM_001407119.1); c.-210+82T>C (NM_001407120.1); c.20+82T>C (NM_001407115.1, NM_001035511.3, NM_001035512.3 and 6 more transcripts).
Identifiers: ClinVar variation 677078 (VCV000677078.4), dbSNP rs11265589, ClinGen allele CA10849242.
Genomic context (GRCh38, chr1:161,314,507, plus strand): 5'-GTTGGTGCCTGCGGCCCTCCGGAGATCTGAACTGGCCCCTCACGTTTTGCTGATAACTGT[T>C]TATCCTGTGCCTGGGCAGGGAAAGGACCCATGGGTGTGGAGGCCAAGCGCTCGGGGATCC-3'